The following is an entry in ClinVar:

ClinVar aggregate classification (germline): Conflicting classifications of pathogenicity. Review status: criteria provided, conflicting classifications (1 of 4 stars). 2 submissions from 2 submitters: Uncertain significance (1); Likely benign (1). Last evaluated 2024-10-08.

Conditions:
Inborn genetic diseases. Identifiers: MedGen C0950123, MeSH D030342.

Allele frequency attached by ClinVar (database versions not stated): gnomAD 0.00002; gnomAD exomes 0.00003; TOPMed 0.00006; ExAC 0.00012; 1000 Genomes Project 30x 0.00016; 1000 Genomes Project 0.00020.
gnomAD v4.1: 49 of 1,614,108 alleles (0.003%); highest among the groups gnomAD compares: Admixed American, 0.07%; no homozygotes.

Submissions (2):

Labcorp Genetics (formerly Invitae), Labcorp
Classification: Uncertain significance. Last evaluated: 2024-10-08. Review status: criteria provided, single submitter. Criteria: Invitae Variant Classification Sherloc (09022015). Collection method: clinical testing. Allele origin: germline.
Comment: This sequence change replaces arginine, which is basic and polar, with glutamine, which is neutral and polar, at codon 335 of the PISD protein (p.Arg335Gln). This variant is present in population databases (rs200138628, gnomAD 0.1%). This variant has not been reported in the literature in individuals affected with PISD-related conditions. ClinVar contains an entry for this variant (Variation ID: 2203146). An algorithm developed to predict the effect of missense changes on protein structure and function outputs the following: PolyPhen-2: "Benign". The glutamine amino acid residue is found in multiple mammalian species, which suggests that this missense change does not adversely affect protein function. In summary, the available evidence is currently insufficient to determine the role of this variant in disease. Therefore, it has been classified as a Variant of Uncertain Significance.

Ambry Genetics
Classification: Likely benign for Inborn genetic diseases. Last evaluated: 2022-05-27. Review status: criteria provided, single submitter. Criteria: Ambry Variant Classification Scheme 2023. Collection method: clinical testing. Allele origin: germline.

NM_001326411.2(PISD):c.1004G>A (p.Arg335Gln)

Gene: PISD (phosphatidylserine decarboxylase; minus strand). Cytogenetic location: 22q12.2.
Variant type: single nucleotide variant.
Coding change: c.1004G>A on transcript NM_001326411.2 (MANE Select); coding-DNA position 1004, G replaced by A.
Protein change: p.Arg335Gln; replaces arginine 335 with glutamine.
Molecular consequence: missense variant. On other transcripts: intron variant (1).
Genome position (GRCh38, 1-based): chr22:31,620,554, C>T on the plus strand (G>A on the coding strand, the complement: PISD is on the minus strand). VCF-style: chr22-31620554-C-T. GRCh37 (hg19) VCF-style: chr22-32016540-C-T.
Other names: c.941G>A, p.Arg314Gln (NM_001326412.1, NM_001326413.2, NM_001326414.2); c.902G>A, p.Arg301Gln (NM_001326415.2, NM_001326416.2, NM_001326417.2 and 2 more transcripts); c.824G>A, p.Arg275Gln (NM_001326418.2); c.788G>A, p.Arg263Gln (NM_001326419.2); c.710G>A, p.Arg237Gln (NM_001326420.2); c.844+442G>A (NM_001326421.1); c.902G>A (NM_014338.3); short protein forms R237Q, R275Q, R314Q, R263Q, R335Q, R301Q.
Identifiers: ClinVar variation 2203146 (VCV002203146.3), dbSNP rs200138628, ClinGen allele CA10194575.